The following is an entry in ClinVar:

ClinVar aggregate classification (germline): Uncertain significance (1 of 4 stars; one submission).

Submission:

Women's Health and Genetics/Laboratory Corporation of America, LabCorp
Classification: Uncertain significance. Last evaluated: 2025-07-23. Review status: criteria provided, single submitter. Criteria: LabCorp Variant Classification Summary - May 2015. Collection method: clinical testing. Allele origin: germline.
Comment: Variant summary: FXN c.493_494delinsGA (p.Arg165Asp) results in a non-conservative amino acid change in the encoded protein sequence. Algorithms developed to predict the effect of missense changes on protein structure and function are either unavailable or do not agree on the potential impact of this missense change. The variant was absent in 1607094 control chromosomes. The available data on variant occurrences in the general population are insufficient to allow any conclusion about variant significance. To our knowledge, no occurrence of c.493_494delinsGA in individuals affected with Friedreich Ataxia and no experimental evidence demonstrating its impact on protein function have been reported. No submitters have cited clinical-significance assessments for this variant to ClinVar. Based on the evidence outlined above, the variant was classified as uncertain significance.

Literature cited by the submitters: PubMed 26704351.

NM_000144.5(FXN):c.493_494delinsGA (p.Arg165Asp)

Gene: FXN (frataxin; plus strand). Cytogenetic location: 9q21.11.
Variant type: Indel.
Coding change: c.493_494delinsGA on transcript NM_000144.5 (MANE Select); coding-DNA positions 493 to 494, CG replaced by GA.
Protein change: p.Arg165Asp; replaces arginine 165 with aspartic acid.
Molecular consequence: missense variant.
Genome position (GRCh38, 1-based): chr9:69,072,622-69,072,623, CG replaced by GA. VCF-style: chr9-69072622-CG-GA. GRCh37 (hg19) VCF-style: chr9-71687538-CG-GA.
Other names: c.501_502delinsGA, p.Ser167_Val168delinsArgIle (NM_181425.3); short protein forms R165D.
Identifiers: ClinVar variation 4526262 (VCV004526262.1).